The following is an entry in ClinVar:

NM_001005242.3(PKP2):c.1716C>G (p.Tyr572Ter)

Gene: PKP2 (plakophilin 2; minus strand). Cytogenetic location: 12p11.21.
Variant type: single nucleotide variant.
Coding change: c.1716C>G on transcript NM_001005242.3 (MANE Select); coding-DNA position 1716, C replaced by G.
Protein change: p.Tyr572Ter; replaces tyrosine 572 with a stop codon.
Molecular consequence: nonsense. On other transcripts: intron variant (1).
Genome position (GRCh38, 1-based): chr12:32,822,590, G>C on the plus strand (C>G on the coding strand, the complement: PKP2 is on the minus strand). VCF-style: chr12-32822590-G-C. GRCh37 (hg19) VCF-style: chr12-32975524-G-C.
Other names: c.1716C>G, p.Tyr572Ter (NM_001407155.1, NM_001407161.1); c.1848C>G, p.Tyr616Ter (NM_001407157.1, NM_004572.4); c.1389C>G, p.Tyr463Ter (NM_001407158.1, NM_001407159.1, NM_001407160.1 and 1 more transcripts); c.1675-1061C>G (NM_001407156.1); short protein forms Y572*, Y463*, Y616*.
Identifiers: ClinVar variation 2837794 (VCV002837794.3), dbSNP rs1486464304, ClinGen allele CA384363397.

ClinVar aggregate classification (germline): Pathogenic (1 of 4 stars; one submission).

Conditions:
Arrhythmogenic right ventricular dysplasia 9 (ARVD9). Also called: Arrhythmogenic Right Ventricular Dysplasia/Cardiomyopathy 9; ARRHYTHMOGENIC RIGHT VENTRICULAR DYSPLASIA, FAMILIAL, 9. Identifiers: MedGen C1836906, MONDO:0012180, OMIM 609040.

Submission:

Labcorp Genetics (formerly Invitae), Labcorp
Classification: Pathogenic for Arrhythmogenic right ventricular dysplasia 9. Last evaluated: 2025-12-01. Review status: criteria provided, single submitter. Criteria: Invitae Variant Classification Sherloc (09022015). Collection method: clinical testing. Allele origin: germline.
Comment: This sequence change creates a premature translational stop signal (p.Tyr616*) in the PKP2 gene. It is expected to result in an absent or disrupted protein product. Loss-of-function variants in PKP2 are known to be pathogenic (PMID: 15489853, 17041889, 23911551). This variant is not present in population databases (gnomAD no frequency). This premature translational stop signal has been observed in individual(s) with PKP2-related conditions (PMID: 23871674). ClinVar contains an entry for this variant (Variation ID: 2837794). For these reasons, this variant has been classified as Pathogenic.

Literature cited by the submitters: PubMed 15489853; PubMed 17041889; PubMed 23911551; PubMed 23871674.